The following is an entry in ClinVar:

NM_007186.6(CEP250):c.3982C>T (p.Arg1328Cys)

Gene: CEP250 (centrosomal protein 250; plus strand). Cytogenetic location: 20q11.22.
Variant type: single nucleotide variant.
Coding change: c.3982C>T on transcript NM_007186.6 (MANE Select); coding-DNA position 3982, C replaced by T.
Protein change: p.Arg1328Cys; replaces arginine 1328 with cysteine.
Molecular consequence: missense variant.
Genome position (GRCh38, 1-based): chr20:35,501,928, C>T. VCF-style: chr20-35501928-C-T. GRCh37 (hg19) VCF-style: chr20-34089755-C-T.
Other names: c.2086C>T, p.Arg696Cys (NM_001318219.1); short protein forms R696C, R1328C.
Identifiers: ClinVar variation 1483722 (VCV001483722.5), dbSNP rs747999521, ClinGen allele CA9833625.

ClinVar aggregate classification (germline): Uncertain significance. Review status: criteria provided, multiple submitters, no conflicts (2 of 4 stars). 2 submissions from 2 submitters: Uncertain significance (2). Last evaluated 2023-06-23.

Allele frequency attached by ClinVar (database versions not stated): TOPMed 0.00003; gnomAD 0.00005; gnomAD exomes 0.00006; ExAC 0.00007.
gnomAD v4.1: 85 of 1,613,320 alleles (0.0053%); highest among the groups gnomAD compares: Non-Finnish European, 0.0059%; no homozygotes.

Submissions (2):

Blueprint Genetics
Classification: Uncertain significance. Last evaluated: 2023-06-23. Review status: criteria provided, single submitter. Criteria: ACMG Guidelines, 2015. Collection method: clinical testing. Allele origin: germline.

Labcorp Genetics (formerly Invitae), Labcorp
Classification: Uncertain significance. Last evaluated: 2022-11-21. Review status: criteria provided, single submitter. Criteria: Invitae Variant Classification Sherloc (09022015). Collection method: clinical testing. Allele origin: germline.
Comment: In summary, the available evidence is currently insufficient to determine the role of this variant in disease. Therefore, it has been classified as a Variant of Uncertain Significance. Algorithms developed to predict the effect of missense changes on protein structure and function are either unavailable or do not agree on the potential impact of this missense change (SIFT: "Not Available"; PolyPhen-2: "Possibly Damaging"; Align-GVGD: "Not Available"). ClinVar contains an entry for this variant (Variation ID: 1483722). This variant has not been reported in the literature in individuals affected with CEP250-related conditions. This variant is present in population databases (rs747999521, gnomAD 0.01%). This sequence change replaces arginine, which is basic and polar, with cysteine, which is neutral and slightly polar, at codon 1328 of the CEP250 protein (p.Arg1328Cys).